The following is an entry in ClinVar:

NM_000051.4(ATM):c.7024G>A (p.Gly2342Ser)

Genes: ATM (ATM serine/threonine kinase; plus strand), C11orf65 (chromosome 11 open reading frame 65; minus strand). Cytogenetic location: 11q22.3.
Variant type: single nucleotide variant.
Coding change: c.7024G>A on transcript NM_000051.4 (MANE Select); coding-DNA position 7024, G replaced by A.
Protein change: p.Gly2342Ser; replaces glycine 2342 with serine.
Molecular consequence: missense variant. On other transcripts: intron variant (2).
Genome position (GRCh38, 1-based): chr11:108,327,693, G>A. VCF-style: chr11-108327693-G-A. GRCh37 (hg19) VCF-style: chr11-108198420-G-A.
Other names: c.7024G>A, p.Gly2342Ser (NM_001351834.2); c.641-18622C>T (NM_001330368.2); c.*38+7527C>T (NM_001351110.2); short protein forms G2342S.
Identifiers: ClinVar variation 453656 (VCV000453656.10), dbSNP rs1555121015, ClinGen allele CA382558799.

ClinVar aggregate classification (germline): Uncertain significance (1 of 4 stars; one submission).

Conditions:
Ataxia-telangiectasia syndrome (AT). Also called: LOUIS-BAR SYNDROME; Cerebello-oculocutaneous telangiectasia; Immunodeficiency with ataxia telangiectasia; Ataxia-telangiectasia, complementation group D; AT, COMPLEMENTATION GROUP C; Ataxia-telangiectasia, complementation group E. Identifiers: Orphanet 100, MedGen C0004135, MONDO:0008840, OMIM 208900.

Submission:

Labcorp Genetics (formerly Invitae), Labcorp
Classification: Uncertain significance for Ataxia-telangiectasia syndrome. Last evaluated: 2017-03-06. Review status: criteria provided, single submitter. Criteria: Invitae Variant Classification Sherloc (09022015). Collection method: clinical testing. Allele origin: germline.
Comment: This sequence change replaces glycine with serine at codon 2342 of the ATM protein (p.Gly2342Ser). The glycine residue is highly conserved and there is a small physicochemical difference between glycine and serine. Algorithms developed to predict the effect of missense changes on protein structure and function (SIFT, PolyPhen-2, Align-GVGD) all suggest that this variant is likely to be disruptive, but these predictions have not been confirmed by published functional studies. In summary, this variant is a novel missense change with uncertain impact on protein function. It has been classified as a Variant of Uncertain Significance. This variant is not present in population databases (ExAC no frequency) and has not been reported in the literature in individuals with an ATM-related disease.